The following is an entry in ClinVar:

ClinVar aggregate classification (germline): Pathogenic (1 of 4 stars; one submission).

Conditions:
Primary ciliary dyskinesia 3. Identifiers: Orphanet 244, MedGen C1837618, MONDO:0012085, OMIM 608644.

Submission:

Myriad Genetics, Inc.
Classification: Pathogenic for Primary ciliary dyskinesia 3. Last evaluated: 2024-05-14. Review status: criteria provided, single submitter. Criteria: Myriad Autosomal Dominant, Autosomal Recessive and X-Linked Classification Criteria (2023). Collection method: clinical testing. Allele origin: unknown.
Comment: NM_001369.2(DNAH5):c.7966dupA(I2656Nfs*2) is expected to be pathogenic in the context of primary ciliary dyskinesia, DNAH5-related. This variant is predicted to lead to an abnormal or absent protein product due to the creation of a premature termination codon in DNAH5, a gene where loss-of-function variants are known to be pathogenic. Please note: this variant was assessed in the context of healthy population screening.

NM_001369.3(DNAH5):c.7966dup (p.Ile2656fs)

Gene: DNAH5 (dynein axonemal heavy chain 5; minus strand). Cytogenetic location: 5p15.2.
Variant type: Duplication.
Coding change: c.7966dup on transcript NM_001369.3 (MANE Select); coding-DNA position 7966, one base duplicated (A; older notation c.7966dupA).
Protein change: p.Ile2656fs; shifts the reading frame from isoleucine 2656.
Molecular consequence: frameshift variant.
Genome position (GRCh38, 1-based): chr5:13,793,980, T duplicated on the plus strand (A on the coding strand, the reverse complement: DNAH5 is on the minus strand). VCF-style (leftmost placement, unchanged base first): chr5-13793979-A-AT. GRCh37 (hg19) VCF-style: chr5-13794088-A-AT.
Other names: short protein forms I2656fs.
Identifiers: ClinVar variation 5010895 (VCV005010895.1).